The following is an entry in ClinVar:

ClinVar aggregate classification (germline): Pathogenic. Review status: criteria provided, multiple submitters, no conflicts (2 of 4 stars). 4 submissions from 4 submitters: Pathogenic (4). Last evaluated 2026-05-06.

Conditions:
Osteogenesis imperfecta type 7 (OI7). Also called: Osteogenesis imperfecta type 2B; OI type 2B; Osteogenesis imperfecta, perinatal lethal autosomal recessive; OI type IIB; OSTEOGENESIS IMPERFECTA, TYPE IIB; OI type 7. Identifiers: MedGen C1853162, MONDO:0012536, OMIM 610682.

Submissions (4):

GeneDx
Classification: Pathogenic. Last evaluated: 2026-05-06. Review status: criteria provided, single submitter. Criteria: GeneDx Variant Classification Process June 2021. Collection method: clinical testing. Allele origin: germline.
Comment: Nonsense variant predicted to result in protein truncation or nonsense mediated decay in a gene for which loss of function is a known mechanism of disease; Has not been previously published as pathogenic or benign to our knowledge; This variant is associated with the following publications: (PMID: 19862557, 17055431, 24715559)

Labcorp Genetics (formerly Invitae), Labcorp
Classification: Pathogenic for Osteogenesis imperfecta type 7. Last evaluated: 2025-12-20. Review status: criteria provided, single submitter. Criteria: Invitae Variant Classification Sherloc (09022015). Collection method: clinical testing. Allele origin: germline.
Comment: This sequence change creates a premature translational stop signal (p.Gly7*) in the CRTAP gene. It is expected to result in an absent or disrupted protein product. Loss-of-function variants in CRTAP are known to be pathogenic (PMID: 17055431, 19862557, 24715559). This variant is present in population databases (rs752412772, gnomAD 0.07%). This variant has not been reported in the literature in individuals affected with CRTAP-related conditions. ClinVar contains an entry for this variant (Variation ID: 1070167). For these reasons, this variant has been classified as Pathogenic.

3billion
Classification: Pathogenic for Osteogenesis imperfecta type 7. Last evaluated: 2024-07-01. Review status: criteria provided, single submitter. Criteria: ACMG Guidelines, 2015. Collection method: clinical testing. Allele origin: germline. Affected: yes.
Comment: The variant is observed at an extremely low frequency in the gnomAD v4.0.0 dataset (total allele frequency: <0.001%). Predicted Consequence/Location: Stop-gained (nonsense): predicted to result in a loss or disruption of normal protein function through nonsense-mediated decay (NMD) or protein truncation. Multiple pathogenic variants are reported downstream of the variant. The variant has been reported to be associated with CRTAP related disorder (ClinVar ID: VCV001070167). Therefore, this variant is classified as Pathogenic according to the recommendation of ACMG/AMP guideline.

Fulgent Genetics
Classification: Pathogenic for Osteogenesis imperfecta type 7. Last evaluated: 2024-03-28. Review status: criteria provided, single submitter. Criteria: ACMG Guidelines, 2015. Collection method: clinical testing. Allele origin: germline.

Literature cited by the submitters: PubMed 17055431 (cited by Labcorp Genetics (formerly Invitae), Labcorp); PubMed 19862557 (cited by Labcorp Genetics (formerly Invitae), Labcorp); PubMed 24715559 (cited by Labcorp Genetics (formerly Invitae), Labcorp).

NM_006371.5(CRTAP):c.18_33del (p.Arg6_Gly7insTer)

Genes: CRTAP (cartilage associated protein; plus strand), LOC129936436 (ATAC-STARR-seq lymphoblastoid silent region 14183; plus strand). Cytogenetic location: 3p22.3.
Variant type: Deletion.
Coding change: c.18_33del on transcript NM_006371.5 (MANE Select); coding-DNA positions 18 to 33, 16 bases deleted (GGGGGCCGCGGCGCTG).
Protein change: p.Arg6_Gly7insTer.
Molecular consequence: frameshift variant.
Genome position (GRCh38, 1-based): chr3:33,114,095-33,114,110, GGGGGCCGCGGCGCTG deleted; deleting any 16 consecutive bases within chr3:33,114,094-33,114,110 gives the same sequence; the c. name uses the placement nearest the transcript's 3' end. VCF-style (leftmost placement, unchanged base first): chr3-33114093-CGGGGGGCCGCGGCGCT-C. GRCh37 (hg19) VCF-style: chr3-33155585-CGGGGGGCCGCGGCGCT-C.
Other names: c.18_33del (NM_006371.4).
Identifiers: ClinVar variation 1070167 (VCV001070167.10), dbSNP rs752412772, ClinGen allele CA2300166.